The following is an entry in ClinVar:

ClinVar aggregate classification (germline): Uncertain significance (1 of 4 stars; one submission).

Submission:

GeneDx
Classification: Uncertain significance. Last evaluated: 2024-09-23. Review status: criteria provided, single submitter. Criteria: GeneDx Variant Classification Process June 2021. Collection method: clinical testing. Allele origin: germline. Affected: yes.
Comment: Not observed at significant frequency in large population cohorts (gnomAD); In silico analysis indicates that this missense variant does not alter protein structure/function; Has not been previously published as pathogenic or benign to our knowledge

NM_000138.5(FBN1):c.6172A>T (p.Met2058Leu)

Gene: FBN1 (fibrillin 1; minus strand). Cytogenetic location: 15q21.1.
Variant type: single nucleotide variant.
Coding change: c.6172A>T on transcript NM_000138.5 (MANE Select); coding-DNA position 6172, A replaced by T.
Protein change: p.Met2058Leu; replaces methionine 2058 with leucine.
Molecular consequence: missense variant.
Genome position (GRCh38, 1-based): chr15:48,437,909, T>A on the plus strand (A>T on the coding strand, the complement: FBN1 is on the minus strand). VCF-style: chr15-48437909-T-A. GRCh37 (hg19) VCF-style: chr15-48730106-T-A.
Other names: c.6172A>T, p.Met2058Leu (NM_001406716.1); short protein forms M2058L.
Identifiers: ClinVar variation 3774282 (VCV003774282.1).